The following is an entry in ClinVar:

ClinVar aggregate classification (germline): Pathogenic (1 of 4 stars; one submission).

Conditions:
Facial dysmorphism-lens dislocation-anterior segment abnormalities-spontaneous filtering blebs syndrome. Also called: Facial dysmorphism, lens dislocation, anterior segment abnormalities, and spontaneous filtering blebs; TRABOULSI SYNDROME. Identifiers: Orphanet 412022, MedGen C1832167, MONDO:0011106, OMIM 601552.

Submission:

Women's Health and Genetics/Laboratory Corporation of America, LabCorp
Classification: Pathogenic for Facial dysmorphism-lens dislocation-anterior segment abnormalities-spontaneous filtering blebs syndrome. Last evaluated: 2026-06-26. Review status: criteria provided, single submitter. Criteria: LabCorp Variant Classification Summary - May 2015. Collection method: clinical testing. Allele origin: germline.
Comment: Variant summary: The variant involves the deletion of exons 1-6 in the ASPH gene. A presumed nomenclature of c.(?_-222)_(619+1_620-1)del has been designated for the purposes of this classification. The exact breakpoint at the 5' end of this variant is unknown, therefore this deletion may extend upstream of the annotated region of this gene. Although the exact breakpoints of this deletion are not known, it is predicted to remove the initiation codon and result in an absence of protein or a truncation of the encoded protein due to translation initiation at a downstream site. Loss-of-function variants in this gene are known to be pathogenic. The variant was absent in 21688 control chromosomes. To our knowledge, no occurrence of c.(?_-222)_(619+1_620-1)del in individuals affected with ASPH-related conditions and no experimental evidence demonstrating its impact on protein function have been reported. No submitters have cited clinical-significance assessments for this variant to ClinVar. Based on the evidence outlined above, the variant was classified as pathogenic.

NC_000008.10:g.(62557192_62559308)_(62627152_?)del

Gene: ASPH (aspartate beta-hydroxylase; minus strand). Cytogenetic location: 8q12.3.
Variant type: Deletion.
Identifiers: ClinVar variation 4887656 (VCV004887656.1).